The following is an entry in ClinVar:

ClinVar aggregate classification (germline): Uncertain significance. Review status: criteria provided, multiple submitters, no conflicts (2 of 4 stars). 2 submissions from 2 submitters: Uncertain significance (2). Last evaluated 2024-08-30.

Conditions:
Age related macular degeneration 9. Identifiers: MedGen C1969651, MONDO:0012659, OMIM 611378.
Atypical hemolytic-uremic syndrome with C3 anomaly. Also called: AHUS, SUSCEPTIBILITY TO, 5. Identifiers: Orphanet 2134, MedGen C2752037, MONDO:0013043, OMIM 612925.
Complement component 3 deficiency. Identifiers: Orphanet 280133, MedGen C3151071, MONDO:0013417, OMIM 613779.

Allele frequency attached by ClinVar (database versions not stated): gnomAD exomes 0.00002 and 0.00005; ExAC 0.00004; gnomAD 0.00006; TOPMed 0.00007.
gnomAD v4.1: 33 of 1,606,476 alleles (0.0021%); highest among the groups gnomAD compares: African/African-American, 0.027%; no homozygotes.

Submissions (2):

Labcorp Genetics (formerly Invitae), Labcorp
Classification: Uncertain significance. Last evaluated: 2024-08-30. Review status: criteria provided, single submitter. Criteria: Invitae Variant Classification Sherloc (09022015). Collection method: clinical testing. Allele origin: germline.
Comment: This sequence change replaces asparagine, which is neutral and polar, with tyrosine, which is neutral and polar, at codon 750 of the C3 protein (p.Asn750Tyr). This variant is present in population databases (rs769294331, gnomAD 0.03%). This variant has not been reported in the literature in individuals affected with C3-related conditions. ClinVar contains an entry for this variant (Variation ID: 1522280). An algorithm developed to predict the effect of missense changes on protein structure and function (PolyPhen-2) suggests that this variant is likely to be tolerated. In summary, the available evidence is currently insufficient to determine the role of this variant in disease. Therefore, it has been classified as a Variant of Uncertain Significance.

Fulgent Genetics
Classification: Uncertain significance for Age related macular degeneration 9; Atypical hemolytic-uremic syndrome with C3 anomaly; Complement component 3 deficiency. Last evaluated: 2024-04-25. Review status: criteria provided, single submitter. Criteria: ACMG Guidelines, 2015. Collection method: clinical testing. Allele origin: germline.

NM_000064.4(C3):c.2248A>T (p.Asn750Tyr)

Gene: C3 (complement C3; minus strand). Cytogenetic location: 19p13.3.
Variant type: single nucleotide variant.
Coding change: c.2248A>T on transcript NM_000064.4 (MANE Select); coding-DNA position 2248, A replaced by T.
Protein change: p.Asn750Tyr; replaces asparagine 750 with tyrosine.
Molecular consequence: missense variant.
Genome position (GRCh38, 1-based): chr19:6,702,577, T>A on the plus strand (A>T on the coding strand, the complement: C3 is on the minus strand). VCF-style: chr19-6702577-T-A. GRCh37 (hg19) VCF-style: chr19-6702588-T-A.
Other names: short protein forms N750Y.
Identifiers: ClinVar variation 1522280 (VCV001522280.10), dbSNP rs769294331, ClinGen allele CA9129134.